The following is an entry in ClinVar:

ClinVar aggregate classification (germline): Uncertain significance (1 of 4 stars; one submission).

Conditions:
Cardiovascular phenotype. Identifiers: MedGen CN230736.

Submission:

Ambry Genetics
Classification: Uncertain significance for Cardiovascular phenotype. Last evaluated: 2026-04-11. Review status: criteria provided, single submitter. Criteria: Ambry Variant Classification Scheme 2023. Collection method: clinical testing. Allele origin: germline.
Comment: The p.T1593P variant (also known as c.4777A>C), located in coding exon 2 of the ZNF469 gene, results from an A to C substitution at nucleotide position 4777. The threonine at codon 1593 is replaced by proline, an amino acid with highly similar properties. This amino acid position is conserved. In addition, this alteration is predicted to be tolerated by in silico analysis. Based on the available evidence, the clinical significance of this variant remains unclear.

NM_001367624.2(ZNF469):c.4861A>C (p.Thr1621Pro)

Gene: ZNF469 (zinc finger protein 469; plus strand). Cytogenetic location: 16q24.2.
Variant type: single nucleotide variant.
Coding change: c.4861A>C on transcript NM_001367624.2 (MANE Select); coding-DNA position 4861, A replaced by C.
Protein change: p.Thr1621Pro; replaces threonine 1621 with proline.
Molecular consequence: missense variant.
Genome position (GRCh38, 1-based): chr16:88,432,331, A>C. VCF-style: chr16-88432331-A-C. GRCh37 (hg19) VCF-style: chr16-88498739-A-C.
Other names: NM_001127464.1:c.4777A>C; short protein forms T1621P.
Identifiers: ClinVar variation 4866986 (VCV004866986.1).